The following is an entry in ClinVar:

ClinVar aggregate classification (germline): Uncertain significance. Review status: criteria provided, multiple submitters, no conflicts (2 of 4 stars). 2 submissions from 2 submitters: Uncertain significance (2). Last evaluated 2025-07-01.

Conditions:
PCNT-related disorder. Also called: PCNT-related condition.

Allele frequency attached by ClinVar (database versions not stated): ESP Exome Variant Server 0.00008.
gnomAD v4.1: 110 of 1,598,206 alleles (0.0069%); highest among the groups gnomAD compares: Non-Finnish European, 0.0092%; no homozygotes.

Submissions (2):

PreventionGenetics, part of Exact Sciences
Classification: Uncertain significance for PCNT-related condition. Last evaluated: 2025-07-01. Review status: criteria provided, single submitter. Criteria: ACMG Guidelines, 2015. Collection method: clinical testing. Allele origin: germline.
Comment: The PCNT c.924G>C variant is predicted to result in the amino acid substitution p.Glu308Asp. To our knowledge, this variant has not been reported in the literature. This variant is reported in 0.0040% of alleles in individuals of European (Non-Finnish) descent in gnomAD. At this time, the clinical significance of this variant is uncertain due to the absence of conclusive functional and genetic evidence.

Labcorp Genetics (formerly Invitae), Labcorp
Classification: Uncertain significance. Last evaluated: 2022-08-09. Review status: criteria provided, single submitter. Criteria: Invitae Variant Classification Sherloc (09022015). Collection method: clinical testing. Allele origin: germline.
Comment: This sequence change replaces glutamic acid, which is acidic and polar, with aspartic acid, which is acidic and polar, at codon 308 of the PCNT protein (p.Glu308Asp). This variant is present in population databases (rs146178359, gnomAD 0.004%). This variant has not been reported in the literature in individuals affected with PCNT-related conditions. ClinVar contains an entry for this variant (Variation ID: 1349404). Algorithms developed to predict the effect of missense changes on protein structure and function are either unavailable or do not agree on the potential impact of this missense change (SIFT: "Tolerated"; PolyPhen-2: "Probably Damaging"; Align-GVGD: "Class C0"). In summary, the available evidence is currently insufficient to determine the role of this variant in disease. Therefore, it has been classified as a Variant of Uncertain Significance.

NM_006031.6(PCNT):c.924G>C (p.Glu308Asp)

Gene: PCNT (pericentrin; plus strand). Cytogenetic location: 21q22.3.
Variant type: single nucleotide variant.
Coding change: c.924G>C on transcript NM_006031.6 (MANE Select); coding-DNA position 924, G replaced by C.
Protein change: p.Glu308Asp; replaces glutamic acid 308 with aspartic acid.
Molecular consequence: missense variant.
Genome position (GRCh38, 1-based): chr21:46,346,946, G>C. VCF-style: chr21-46346946-G-C. GRCh37 (hg19) VCF-style: chr21-47766860-G-C.
Other names: c.570G>C, p.Glu190Asp (NM_001315529.2); c.924G>C (NM_006031.5); short protein forms E308D, E190D.
Identifiers: ClinVar variation 1349404 (VCV001349404.4), dbSNP rs146178359, ClinGen allele CA10078446.